The following is an entry in ClinVar:

ClinVar aggregate classification (germline): Uncertain significance. Review status: criteria provided, single submitter (1 of 4 stars). 2 submissions from 2 submitters: Uncertain significance (1). 1 of the submissions does not count toward it. Last evaluated 2024-10-10.

Conditions:
Reticular dysgenesis. Also called: ALEUKOCYTOSIS; CONGENITAL ALEUKIA; HEMATOPOIETIC HYPOPLASIA, GENERALIZED; RETICULAR DYSGENESIA; SEVERE COMBINED IMMUNODEFICIENCY WITH LEUKOPENIA; DeVaal disease. Identifiers: Orphanet 33355, MedGen C0272167, MONDO:0009973, OMIM 267500.
AK2-related disorder. Also called: AK2-related condition.

Allele frequency attached by ClinVar (database versions not stated): gnomAD exomes 0.00001; TOPMed 0.00001; gnomAD 0.00003; ExAC 0.00005; 1000 Genomes Project 30x 0.00016; 1000 Genomes Project 0.00020.
gnomAD v4.1: 15 of 1,613,820 alleles (0.00093%); highest among the groups gnomAD compares: East Asian, 0.031%; no homozygotes.

Submissions (2):

Labcorp Genetics (formerly Invitae), Labcorp
Classification: Uncertain significance for Reticular dysgenesis. Last evaluated: 2024-10-10. Review status: criteria provided, single submitter. Criteria: Invitae Variant Classification Sherloc (09022015). Collection method: clinical testing. Allele origin: germline.
Comment: This sequence change replaces glycine, which is neutral and non-polar, with alanine, which is neutral and non-polar, at codon 141 of the AK2 protein (p.Gly141Ala). This variant is present in population databases (rs541879563, gnomAD 0.06%). This missense change has been observed in individual(s) with primary immunodeficiency disorder (PMID: 30290665). An algorithm developed to predict the effect of missense changes on protein structure and function (PolyPhen-2) suggests that this variant is likely to be disruptive. In summary, the available evidence is currently insufficient to determine the role of this variant in disease. Therefore, it has been classified as a Variant of Uncertain Significance.

PreventionGenetics, part of Exact Sciences
Classification: Uncertain significance for AK2-related condition. Last evaluated: 2024-01-01. Review status: no assertion criteria provided. Collection method: clinical testing. Allele origin: germline. Not counted in ClinVar's aggregate classification.
Comment: The AK2 c.422G>C variant is predicted to result in the amino acid substitution p.Gly141Ala. This variant along with 3 variants in RAG1 and JAK3 was reported in an individual with Immunodeficiency, primary (Chi et al 2018. PubMed ID: 30290665). This variant is reported in 0.071% of alleles in individuals of East Asian descent in gnomAD. At this time, the clinical significance of this variant is uncertain due to the absence of conclusive functional and genetic evidence.

Literature cited by the submitters: PubMed 30290665 (cited by Labcorp Genetics (formerly Invitae), Labcorp).

NM_001625.4(AK2):c.422G>C (p.Gly141Ala)

Gene: AK2 (adenylate kinase 2; minus strand). Cytogenetic location: 1p35.1.
Variant type: single nucleotide variant.
Coding change: c.422G>C on transcript NM_001625.4 (MANE Select); coding-DNA position 422, G replaced by C.
Protein change: p.Gly141Ala; replaces glycine 141 with alanine.
Molecular consequence: missense variant. On other transcripts: intron variant (2).
Genome position (GRCh38, 1-based): chr1:33,021,370, C>G on the plus strand (G>C on the coding strand, the complement: AK2 is on the minus strand). VCF-style: chr1-33021370-C-G. GRCh37 (hg19) VCF-style: chr1-33486971-C-G.
Other names: c.278G>C, p.Gly93Ala (NM_001319139.3, NM_001319140.2); c.422G>C, p.Gly141Ala (NM_001319141.3, NM_013411.5); c.296G>C, p.Gly99Ala (NM_001319142.3); c.330+223G>C (NM_001319143.2); c.401+21G>C (NM_001199199.3); short protein forms G141A, G93A, G99A.
Identifiers: ClinVar variation 3035977 (VCV003035977.3), dbSNP rs541879563, ClinGen allele CA747164.